The following is an entry in ClinVar:

ClinVar aggregate classification (germline): Uncertain significance (1 of 4 stars; one submission).

Conditions:
Cardiovascular phenotype. Identifiers: MedGen CN230736.

Submission:

Ambry Genetics
Classification: Uncertain significance for Cardiovascular phenotype. Last evaluated: 2022-07-10. Review status: criteria provided, single submitter. Criteria: Ambry Variant Classification Scheme 2023. Collection method: clinical testing. Allele origin: germline.
Comment: The p.Q897R variant (also known as c.2690A>G), located in coding exon 17 of the SOS1 gene, results from an A to G substitution at nucleotide position 2690. The glutamine at codon 897 is replaced by arginine, an amino acid with highly similar properties. This amino acid position is conserved. In addition, this alteration is predicted to be tolerated by in silico analysis. Since supporting evidence is limited at this time, the clinical significance of this alteration remains unclear.

NM_005633.4(SOS1):c.2690A>G (p.Gln897Arg)

Gene: SOS1 (SOS Ras/Rac guanine nucleotide exchange factor 1; minus strand). Cytogenetic location: 2p22.1.
Variant type: single nucleotide variant.
Coding change: c.2690A>G on transcript NM_005633.4 (MANE Select); coding-DNA position 2690, A replaced by G.
Protein change: p.Gln897Arg; replaces glutamine 897 with arginine.
Molecular consequence: missense variant.
Genome position (GRCh38, 1-based): chr2:39,006,513, T>C on the plus strand (A>G on the coding strand, the complement: SOS1 is on the minus strand). VCF-style: chr2-39006513-T-C. GRCh37 (hg19) VCF-style: chr2-39233654-T-C.
Other names: c.2669A>G, p.Gln890Arg (NM_001382394.1); c.2690A>G, p.Gln897Arg (NM_001382395.1); short protein forms Q897R, Q890R.
Identifiers: ClinVar variation 1794795 (VCV001794795.2), dbSNP rs2528966363, ClinGen allele CA346363254.